The following is an entry in ClinVar:

NM_001312673.2(PCYT1A):c.1103A>C (p.Ter368Ser)

Gene: PCYT1A (phosphate cytidylyltransferase 1A, choline; minus strand). Cytogenetic location: 3q29.
Variant type: single nucleotide variant.
Coding change: c.1103A>C on transcript NM_001312673.2 (MANE Select); coding-DNA position 1103, A replaced by C.
Protein change: p.Ter368Ser.
Molecular consequence: stop lost.
Genome position (GRCh38, 1-based): chr3:196,238,689, T>G on the plus strand (A>C on the coding strand, the complement: PCYT1A is on the minus strand). VCF-style: chr3-196238689-T-G. GRCh37 (hg19) VCF-style: chr3-195965560-T-G.
Other names: c.1103A>C, p.Ter368Ser (NM_005017.4).
Identifiers: ClinVar variation 1434824 (VCV001434824.7), dbSNP rs1724251301, ClinGen allele CA355607596.

ClinVar aggregate classification (germline): Uncertain significance. Review status: criteria provided, multiple submitters, no conflicts (2 of 4 stars). 2 submissions from 2 submitters: Uncertain significance (2). Last evaluated 2022-08-31.

Conditions:
Spondylometaphyseal dysplasia-cone-rod dystrophy syndrome. Identifiers: Orphanet 85167, MedGen C1837073, MONDO:0012160, OMIM 608940.

Allele frequency attached by ClinVar (database versions not stated): gnomAD 0.00001.

Submissions (2):

Labcorp Genetics (formerly Invitae), Labcorp
Classification: Uncertain significance. Last evaluated: 2022-08-31. Review status: criteria provided, single submitter. Criteria: Invitae Variant Classification Sherloc (09022015). Collection method: clinical testing. Allele origin: germline.
Comment: In summary, the available evidence is currently insufficient to determine the role of this variant in disease. Therefore, it has been classified as a Variant of Uncertain Significance. Experimental studies and prediction algorithms are not available or were not evaluated, and the functional significance of this variant is currently unknown. ClinVar contains an entry for this variant (Variation ID: 1434824). This variant has not been reported in the literature in individuals affected with PCYT1A-related conditions. This variant is not present in population databases (gnomAD no frequency). This sequence change disrupts the translational stop signal of the PCYT1A mRNA. It is expected to extend the length of the PCYT1A protein by 21 additional amino acid residues.

Fulgent Genetics
Classification: Uncertain significance for Spondylometaphyseal dysplasia-cone-rod dystrophy syndrome. Last evaluated: 2022-03-28. Review status: criteria provided, single submitter. Criteria: ACMG Guidelines, 2015. Collection method: clinical testing. Allele origin: unknown.